The following is an entry in ClinVar:

ClinVar aggregate classification (germline): Uncertain significance (1 of 4 stars; one submission).

Submission:

Labcorp Genetics (formerly Invitae), Labcorp
Classification: Uncertain significance. Last evaluated: 2024-01-09. Review status: criteria provided, single submitter. Criteria: Invitae Variant Classification Sherloc (09022015). Collection method: clinical testing. Allele origin: germline.
Comment: This sequence change replaces alanine, which is neutral and non-polar, with threonine, which is neutral and polar, at codon 2574 of the KMT2A protein (p.Ala2574Thr). This variant is not present in population databases (gnomAD no frequency). This variant has not been reported in the literature in individuals affected with KMT2A-related conditions. Advanced modeling of protein sequence and biophysical properties (such as structural, functional, and spatial information, amino acid conservation, physicochemical variation, residue mobility, and thermodynamic stability) performed at Invitae indicates that this missense variant is not expected to disrupt KMT2A protein function with a negative predictive value of 95%. In summary, the available evidence is currently insufficient to determine the role of this variant in disease. Therefore, it has been classified as a Variant of Uncertain Significance.

NM_001197104.2(KMT2A):c.7720G>A (p.Ala2574Thr)

Gene: KMT2A (lysine methyltransferase 2A; plus strand). Cytogenetic location: 11q23.3.
Variant type: single nucleotide variant.
Coding change: c.7720G>A on transcript NM_001197104.2 (MANE Select); coding-DNA position 7720, G replaced by A.
Protein change: p.Ala2574Thr; replaces alanine 2574 with threonine.
Molecular consequence: missense variant.
Genome position (GRCh38, 1-based): chr11:118,503,612, G>A. VCF-style: chr11-118503612-G-A. GRCh37 (hg19) VCF-style: chr11-118374327-G-A.
Other names: c.7810G>A, p.Ala2604Thr (NM_001412597.1); c.7711G>A, p.Ala2571Thr (NM_005933.4); short protein forms A2574T, A2571T, A2604T.
Identifiers: ClinVar variation 2708428 (VCV002708428.3), dbSNP rs2497002054, ClinGen allele CA382806709.
Genomic context (GRCh38, chr11:118,503,612, plus strand): 5'-GAGTCAACATCTCCCACAGAACCAATTTCAGCCTCTGAAAATCCAGGAGATGGTCCAGTG[G>A]CCCAACCAAGCCCCAATAATACCTCATGCCAGGATTCTCAAAGTAACAACTATCAGAATC-3'
Protein context (NP_001184033.1, residues 2564-2584): ASENPGDGPV[Ala2574Thr]QPSPNNTSCQ